The following is an entry in ClinVar:

ClinVar aggregate classification (germline): Pathogenic. Review status: criteria provided, multiple submitters, no conflicts (2 of 4 stars). 3 submissions from 3 submitters: Pathogenic (3). Last evaluated 2024-12-05.

Conditions:
Atrial septal defect 2 (ASD2). Identifiers: Orphanet 1478, MedGen C1842778, MONDO:0011938, OMIM 607941.
Ventricular septal defect 1 (VSD1). Identifiers: MedGen C3280777, MONDO:0013746, OMIM 614429.
Atrioventricular septal defect 4 (AVSD4). Identifiers: MedGen C3280781, MONDO:0013747, OMIM 614430.
Testicular anomalies with or without congenital heart disease (TACHD). Identifiers: Orphanet 251510, MedGen C3809858, MONDO:0014239, OMIM 615542.
Tetralogy of Fallot (TOF). Identifiers: Orphanet 3303, MedGen C0039685, MONDO:0008542, OMIM 187500, HP:0001636.

Submissions (3):

GeneDx
Classification: Pathogenic. Last evaluated: 2024-12-05. Review status: criteria provided, single submitter. Criteria: GeneDx Variant Classification Process June 2021. Collection method: clinical testing. Allele origin: germline. Affected: yes.
Comment: Nonsense variant predicted to result in protein truncation or nonsense mediated decay in a gene for which loss of function is a known mechanism of disease; Not observed at significant frequency in large population cohorts (gnomAD); This variant is associated with the following publications: (PMID: 33057194, 35904974, 35982159)

New York Genome Center
Classification: Pathogenic for Ventricular septal defect 1; Tetralogy of Fallot; Atrioventricular septal defect 4; Atrial septal defect 2; Testicular anomalies with or without congenital heart disease. Last evaluated: 2024-06-12. Review status: criteria provided, single submitter. Criteria: NYGC Assertion Criteria 2020. Collection method: clinical testing. Allele origin: de novo. Affected: yes. Observed: 1 variant allele, 1 heterozygote.
Comment: The c.691C>T p.(Arg231Ter) variant identified in GATA4 has previously been reported in an individual with left-sided congenital diaphragmatichernia, atrial septal defect, dysplastic pulmonary valve, hypospadias, pulmonary arterial hypertension and ventricular septal defect [PMID: 35904974], and has been reported in ClinVar as Pathogenic by one submitter [Variation ID: 1338850]. The c.691C>T variant is absent from population databases (gnomAD v4.1.0, TOPMedFreeze 10, All of Us), suggesting it is not a common benign variant in the populations represented in those databases. The c.691C>T variant is located in exon 3 of this 7-exon gene, is predicted to incorporate a premature termination codon (p.(Arg231Ter)) and is expected to result in loss-of-function through nonsense-mediated mRNA decay. Based on available evidence, this c.691C>T p.(Arg231Ter) variant identified in GATA4 is classified as Pathogenic.

Daryl Scott Lab, Baylor College of Medicine
Classification: Pathogenic for Atrial septal defect 2; Ventricular septal defect 1. Last evaluated: 2022-01-27. Review status: criteria provided, single submitter. Criteria: ACMG Guidelines, 2015. Collection method: clinical testing. Allele origin: de novo. Affected: yes. Observed: 1 variant allele, 1 heterozygote.

Literature cited by the submitters: PubMed 35904974 (cited by New York Genome Center and Daryl Scott Lab, Baylor College of Medicine).

NM_001308093.3(GATA4):c.691C>T (p.Arg231Ter)

Gene: GATA4 (GATA binding protein 4). Cytogenetic location: 8p23.1.
Variant type: single nucleotide variant.
Coding change: c.691C>T on transcript NM_001308093.3 (MANE Select); coding-DNA position 691, C replaced by T.
Protein change: p.Arg231Ter; replaces arginine 231 with a stop codon.
Molecular consequence: nonsense.
Genome position (GRCh38, 1-based): chr8:11,748,990, C>T. VCF-style: chr8-11748990-C-T. GRCh37 (hg19) VCF-style: chr8-11606499-C-T.
Other names: c.688C>T (NM_002052.3); c.70C>T, p.Arg24Ter (NM_001308094.2, NM_001374273.1, NM_001374274.1); c.688C>T, p.Arg230Ter (NM_002052.5); short protein forms R230*, R231*, R24*.
Identifiers: ClinVar variation 1338850 (VCV001338850.3), dbSNP rs2130307055, ClinGen allele CA370312682.
Genomic context (GRCh38, chr8:11,748,990, plus strand): 5'-GACTTCTCAGAAGGCAGAGAGTGTGTCAACTGTGGGGCTATGTCCACCCCGCTCTGGAGG[C>T]GAGATGGGACGGGTCACTATCTGTGCAACGCCTGCGGCCTCTACCACAAGATGAACGGCA-3'